The following is an entry in ClinVar:

NM_139343.3(BIN1):c.55C>G (p.Gln19Glu)

Gene: BIN1 (bridging integrator 1; minus strand). Cytogenetic location: 2q14.3.
Variant type: single nucleotide variant.
Coding change: c.55C>G on transcript NM_139343.3 (MANE Select); coding-DNA position 55, C replaced by G.
Protein change: p.Gln19Glu; replaces glutamine 19 with glutamic acid.
Molecular consequence: missense variant.
Genome position (GRCh38, 1-based): chr2:127,106,889, G>C on the plus strand (C>G on the coding strand, the complement: BIN1 is on the minus strand). VCF-style: chr2-127106889-G-C. GRCh37 (hg19) VCF-style: chr2-127864465-G-C.
Other names: c.55C>G, p.Gln19Glu (NM_001320632.2, NM_001320633.2, NM_001320640.2 and 10 more transcripts); short protein forms Q19E.
Identifiers: ClinVar variation 1474859 (VCV001474859.8), dbSNP rs2105378861, ClinGen allele CA348376178.

ClinVar aggregate classification (germline): Uncertain significance (1 of 4 stars; one submission).

Conditions:
Myopathy, centronuclear, 2 (CNM2). Also called: MYOTUBULAR MYOPATHY, AUTOSOMAL RECESSIVE. Identifiers: Orphanet 169186, MedGen CN031787, MONDO:0009709, OMIM 255200.

Submission:

Labcorp Genetics (formerly Invitae), Labcorp
Classification: Uncertain significance for Myopathy, centronuclear, 2. Last evaluated: 2025-02-13. Review status: criteria provided, single submitter. Criteria: Invitae Variant Classification Sherloc (09022015). Collection method: clinical testing. Allele origin: germline.
Comment: This sequence change replaces glutamine, which is neutral and polar, with glutamic acid, which is acidic and polar, at codon 19 of the BIN1 protein (p.Gln19Glu). This variant is not present in population databases (gnomAD no frequency). This variant has not been reported in the literature in individuals affected with BIN1-related conditions. ClinVar contains an entry for this variant (Variation ID: 1474859). Invitae Evidence Modeling of protein sequence and biophysical properties (such as structural, functional, and spatial information, amino acid conservation, physicochemical variation, residue mobility, and thermodynamic stability) indicates that this missense variant is expected to disrupt BIN1 protein function with a positive predictive value of 80%. In summary, the available evidence is currently insufficient to determine the role of this variant in disease. Therefore, it has been classified as a Variant of Uncertain Significance.